The following is an entry in ClinVar:

ClinVar aggregate classification (germline): Uncertain significance. Review status: criteria provided, multiple submitters, no conflicts (2 of 4 stars). 4 submissions from 4 submitters: Uncertain significance (4). Last evaluated 2024-05-22.

Conditions:
Congenital muscular dystrophy due to integrin alpha-7 deficiency. Also called: MYOPATHY, CONGENITAL, DUE TO INTEGRIN ALPHA-7 DEFICIENCY; Congenital muscular dystrophy with integrin alpha-7 deficiency; Muscular dystrophy, congenital, due to ITGA7 deficiency. Identifiers: Orphanet 34520, MedGen C2750786, MONDO:0013177, OMIM 613204.

Allele frequency attached by ClinVar (database versions not stated): gnomAD 0.00001; TOPMed 0.00002.
gnomAD v4.1: 29 of 1,614,002 alleles (0.0018%); highest among the groups gnomAD compares: Non-Finnish European, 0.0025%; no homozygotes.

Submissions (4):

Revvity Omics, Revvity
Classification: Uncertain significance for Congenital muscular dystrophy due to integrin alpha-7 deficiency. Last evaluated: 2024-05-22. Review status: criteria provided, single submitter. Criteria: ACMG Guidelines, 2015. Collection method: clinical testing. Allele origin: germline.

Ambry Genetics
Classification: Uncertain significance. Last evaluated: 2023-03-20. Review status: criteria provided, single submitter. Criteria: Ambry Variant Classification Scheme 2023. Collection method: clinical testing. Allele origin: germline.

Labcorp Genetics (formerly Invitae), Labcorp
Classification: Uncertain significance for Congenital muscular dystrophy due to integrin alpha-7 deficiency. Last evaluated: 2022-06-16. Review status: criteria provided, single submitter. Criteria: Invitae Variant Classification Sherloc (09022015). Collection method: clinical testing. Allele origin: germline.
Comment: This sequence change replaces valine, which is neutral and non-polar, with phenylalanine, which is neutral and non-polar, at codon 1040 of the ITGA7 protein (p.Val1040Phe). This variant is present in population databases (rs764565180, gnomAD 0.006%). This variant has not been reported in the literature in individuals affected with ITGA7-related conditions. ClinVar contains an entry for this variant (Variation ID: 423926). Algorithms developed to predict the effect of missense changes on protein structure and function are either unavailable or do not agree on the potential impact of this missense change (SIFT: "Deleterious"; PolyPhen-2: "Benign"; Align-GVGD: "Class C0"). In summary, the available evidence is currently insufficient to determine the role of this variant in disease. Therefore, it has been classified as a Variant of Uncertain Significance.

GeneDx
Classification: Uncertain significance. Last evaluated: 2017-03-06. Review status: criteria provided, single submitter. Criteria: GeneDx Variant Classification (06012015). Collection method: clinical testing. Allele origin: germline. Affected: yes.
Comment: The V1040F variant has not been published as a pathogenic variant, nor has it been reported as a benign variant to our knowledge. The V1040F variant is observed in 5/66712 (0.01%) alleles from individuals of European background (Lek et al., 2016; 1000 Genomes Consortium et al., 2015; Exome Variant Server). This substitution occurs at a position where amino acids with similar properties to Valine are tolerated across species. However, this variant is a semi-conservative amino acid substitution, which may impact secondary protein structure as these residues differ in some properties. Additionally, in silico analysis predicts this variant is probably damaging to the protein structure/function.

NM_002206.3(ITGA7):c.3118G>T (p.Val1040Phe)

Gene: ITGA7 (integrin subunit alpha 7; minus strand). Cytogenetic location: 12q13.2.
Variant type: single nucleotide variant.
Coding change: c.3118G>T on transcript NM_002206.3 (MANE Select); coding-DNA position 3118, G replaced by T.
Protein change: p.Val1040Phe; replaces valine 1040 with phenylalanine.
Molecular consequence: missense variant.
Genome position (GRCh38, 1-based): chr12:55,688,036, C>A on the plus strand (G>T on the coding strand, the complement: ITGA7 is on the minus strand). VCF-style: chr12-55688036-C-A. GRCh37 (hg19) VCF-style: chr12-56081820-C-A.
Other names: c.2935G>T, p.Val979Phe (NM_001414033.1); c.3130G>T, p.Val1044Phe (NM_001144996.2); c.2839G>T, p.Val947Phe (NM_001144997.2); c.2791G>T, p.Val931Phe (NM_001367993.1); c.1774G>T, p.Val592Phe (NM_001367994.1); c.3100G>T, p.Val1034Phe (NM_001374465.1); c.3250G>T, p.Val1084Phe (NM_001410977.1); c.3112G>T, p.Val1038Phe (NM_001414029.1); and 5 more; short protein forms V1040F, V947F, V1044F, V592F, V931F, V1034F, V1084F, V1015F.
Identifiers: ClinVar variation 423926 (VCV000423926.11), dbSNP rs764565180, ClinGen allele CA6615340.